The following is an entry in ClinVar:

ClinVar aggregate classification (germline): Uncertain significance. Review status: criteria provided, multiple submitters, no conflicts (2 of 4 stars). 2 submissions from 2 submitters: Uncertain significance (2). Last evaluated 2024-12-18.

Conditions:
Duchenne muscular dystrophy (DMD). Also called: MUSCULAR DYSTROPHY, PSEUDOHYPERTROPHIC PROGRESSIVE, DUCHENNE TYPE; Duchenne Muscular Dystrophy (DMD). Identifiers: Orphanet 98896, MedGen C0013264, MONDO:0010679, OMIM 310200.

gnomAD v4.1: 29 of 1,211,072 alleles (0.0024%); highest among the groups gnomAD compares: Non-Finnish European, 0.0032%; no homozygotes.

Submissions (2):

Labcorp Genetics (formerly Invitae), Labcorp
Classification: Uncertain significance for Duchenne muscular dystrophy. Last evaluated: 2024-12-18. Review status: criteria provided, single submitter. Criteria: Invitae Variant Classification Sherloc (09022015). Collection method: clinical testing. Allele origin: germline.
Comment: This sequence change replaces glutamine, which is neutral and polar, with histidine, which is basic and polar, at codon 713 of the DMD protein (p.Gln713His). The frequency data for this variant in the population databases is considered unreliable, as metrics indicate poor data quality at this position in the gnomAD database. This variant has not been reported in the literature in individuals affected with DMD-related conditions. Invitae Evidence Modeling of protein sequence and biophysical properties (such as structural, functional, and spatial information, amino acid conservation, physicochemical variation, residue mobility, and thermodynamic stability) indicates that this missense variant is not expected to disrupt DMD protein function with a negative predictive value of 95%. In summary, the available evidence is currently insufficient to determine the role of this variant in disease. Therefore, it has been classified as a Variant of Uncertain Significance.

GeneDx
Classification: Uncertain significance. Last evaluated: 2024-07-22. Review status: criteria provided, single submitter. Criteria: GeneDx Variant Classification Process June 2021. Collection method: clinical testing. Allele origin: germline. Affected: yes.
Comment: Not observed at significant frequency in large population cohorts (gnomAD); In silico analysis supports that this missense variant has a deleterious effect on protein structure/function; Has not been previously published as pathogenic or benign to our knowledge

NM_004006.3(DMD):c.2139G>T (p.Gln713His)

Gene: DMD (dystrophin; minus strand). Cytogenetic location: Xp21.1.
Variant type: single nucleotide variant.
Coding change: c.2139G>T on transcript NM_004006.3 (MANE Select); coding-DNA position 2139, G replaced by T.
Protein change: p.Gln713His; replaces glutamine 713 with histidine.
Molecular consequence: missense variant.
Genome position (GRCh38, 1-based): chrX:32,545,188, C>A on the plus strand (G>T on the coding strand, the complement: DMD is on the minus strand). VCF-style: chrX-32545188-C-A. GRCh37 (hg19) VCF-style: chrX-32563305-C-A.
Other names: c.2115G>T, p.Gln705His (NM_000109.4); c.2127G>T, p.Gln709His (NM_004009.3); c.1770G>T, p.Gln590His (NM_004010.3); short protein forms Q590H, Q705H, Q709H, Q713H.
Identifiers: ClinVar variation 3600859 (VCV003600859.3).